The following is an entry in ClinVar:

ClinVar aggregate classification (germline): Likely pathogenic (1 of 4 stars; one submission).

Submission:

GeneDx
Classification: Likely pathogenic. Last evaluated: 2026-01-14. Review status: criteria provided, single submitter. Criteria: GeneDx Variant Classification Process June 2021. Collection method: clinical testing. Allele origin: germline. Affected: yes.
Comment: Not observed at significant frequency in large population cohorts (gnomAD); In silico analysis supports that this missense variant has a deleterious effect on protein structure/function; Has not been previously published as pathogenic or benign to our knowledge

NM_002585.4(PBX1):c.505G>A (p.Glu169Lys)

Gene: PBX1 (PBX homeobox 1; plus strand). Cytogenetic location: 1q23.3.
Variant type: single nucleotide variant.
Coding change: c.505G>A on transcript NM_002585.4 (MANE Select); coding-DNA position 505, G replaced by A.
Protein change: p.Glu169Lys; replaces glutamic acid 169 with lysine.
Molecular consequence: missense variant.
Genome position (GRCh38, 1-based): chr1:164,792,733, G>A. VCF-style: chr1-164792733-G-A. GRCh37 (hg19) VCF-style: chr1-164761970-G-A.
Other names: c.505G>A, p.Glu169Lys (NM_001204961.2, NM_001204963.2, NM_001353131.2); c.256G>A, p.Glu86Lys (NM_001353130.1); short protein forms E169K, E86K.
Identifiers: ClinVar variation 4687848 (VCV004687848.1).